The following is an entry in ClinVar:

ClinVar aggregate classification (germline): Likely benign (0 of 4 stars; one submission).

Conditions:
CELF4-related disorder. Also called: CELF4-related condition.

Allele frequency attached by ClinVar (database versions not stated): ExAC 0.00005; gnomAD 0.00005; TOPMed 0.00006; gnomAD exomes 0.00007.
gnomAD v4.1: 108 of 1,613,772 alleles (0.0067%); highest among the groups gnomAD compares: Non-Finnish European, 0.0087%; no homozygotes.

Submission:

PreventionGenetics, part of Exact Sciences
Classification: Likely benign for CELF4-related condition. Last evaluated: 2019-05-08. Review status: no assertion criteria provided. Collection method: clinical testing. Allele origin: germline.
Comment: This variant is classified as likely benign based on ACMG/AMP sequence variant interpretation guidelines (Richards et al. 2015 PMID: 25741868, with internal and published modifications).

NM_020180.4(CELF4):c.207C>T (p.Asp69=)

Gene: CELF4 (CUGBP Elav-like family member 4; minus strand). Cytogenetic location: 18q12.2.
Variant type: single nucleotide variant.
Coding change: c.207C>T on transcript NM_020180.4 (MANE Select); coding-DNA position 207, C replaced by T.
Protein change: p.Asp69=; no amino-acid change (aspartic acid 69 retained).
Molecular consequence: synonymous variant. On other transcripts: non-coding transcript variant (11).
Genome position (GRCh38, 1-based): chr18:37,565,435, G>A on the plus strand (C>T on the coding strand, the complement: CELF4 is on the minus strand). VCF-style: chr18-37565435-G-A. GRCh37 (hg19) VCF-style: chr18-35145398-G-A.
Other names: c.207C>T, p.Asp69= (NM_001353728.2, NM_001353729.2, NM_001353730.2 and 61 more transcripts).
Identifiers: ClinVar variation 3041530 (VCV003041530.2), dbSNP rs780570053, ClinGen allele CA8943810.